The following is an entry in ClinVar:

ClinVar aggregate classification (germline): Uncertain significance (1 of 4 stars; one submission).

Conditions:
Lowe syndrome (OCRL). Also called: LOWE OCULOCEREBRORENAL SYNDROME; PHOSPHATIDYLINOSITOL 4,5-BISPHOSPHATE 5-PHOSPHATASE DEFICIENCY; Oculocerebrorenal Syndrome. Identifiers: Orphanet 534, MedGen C0028860, MONDO:0010645, OMIM 309000.

Submission:

Labcorp Genetics (formerly Invitae), Labcorp
Classification: Uncertain significance for Lowe syndrome. Last evaluated: 2025-03-09. Review status: criteria provided, single submitter. Criteria: Invitae Variant Classification Sherloc (09022015). Collection method: clinical testing. Allele origin: germline.
Comment: This sequence change replaces leucine, which is neutral and non-polar, with phenylalanine, which is neutral and non-polar, at codon 605 of the OCRL protein (p.Leu605Phe). This variant is not present in population databases (gnomAD no frequency). This variant has not been reported in the literature in individuals affected with OCRL-related conditions. Invitae Evidence Modeling of protein sequence and biophysical properties (such as structural, functional, and spatial information, amino acid conservation, physicochemical variation, residue mobility, and thermodynamic stability) indicates that this missense variant is not expected to disrupt OCRL protein function with a negative predictive value of 80%. In summary, the available evidence is currently insufficient to determine the role of this variant in disease. Therefore, it has been classified as a Variant of Uncertain Significance.

NM_000276.4(OCRL):c.1813C>T (p.Leu605Phe)

Gene: OCRL (OCRL inositol polyphosphate-5-phosphatase; plus strand). Cytogenetic location: Xq26.1.
Variant type: single nucleotide variant.
Coding change: c.1813C>T on transcript NM_000276.4 (MANE Select); coding-DNA position 1813, C replaced by T.
Protein change: p.Leu605Phe; replaces leucine 605 with phenylalanine.
Molecular consequence: missense variant.
Genome position (GRCh38, 1-based): chrX:129,575,996, C>T. VCF-style: chrX-129575996-C-T. GRCh37 (hg19) VCF-style: chrX-128709973-C-T.
Other names: c.1816C>T, p.Leu606Phe (NM_001318784.2); c.1813C>T, p.Leu605Phe (NM_001587.4); short protein forms L605F, L606F.
Identifiers: ClinVar variation 4799643 (VCV004799643.1).
Genomic context (GRCh38, chrX:129,575,996, plus strand): 5'-GAGAAGTTCCAGATCAGCAACAATGGACAGGTTCCCTGCCATTTTTCTTTCATCCCTAAA[C>T]TTAATGACAGCCAGTACTGCAAGCCATGGCTTCGGGCTGAACCTTTTGAGGGCTACTTGG-3'
Protein context (NP_000267.2, residues 595-615): VPCHFSFIPK[Leu605Phe]NDSQYCKPWL